The following is an entry in ClinVar:

ClinVar aggregate classification (germline): Uncertain significance. Review status: criteria provided, multiple submitters, no conflicts (2 of 4 stars). 5 submissions from 5 submitters: Uncertain significance (5). Last evaluated 2026-07-15.

Conditions:
ABCC6-related disorder. Also called: ABCC6-related condition.
Arterial calcification, generalized, of infancy, 2. Identifiers: Orphanet 51608, MedGen C3276161, MONDO:0013768, OMIM 614473.
Autosomal recessive inherited pseudoxanthoma elasticum (PXE). Identifiers: Orphanet 758, MedGen CN032334, MONDO:0009925, OMIM 264800.
Pseudoxanthoma elasticum, forme fruste. Also called: PSEUDOXANTHOMA ELASTICUM, HETEROZYGOUS; Pseudoxanthoma Elasticum, Incomplete. Identifiers: Orphanet 758, MedGen C1867450, MONDO:0008333, OMIM 177850.

Allele frequency attached by ClinVar (database versions not stated): TOPMed 0.00015; gnomAD exomes 0.00004; gnomAD 0.00015.
gnomAD v4.1: 43 of 1,613,974 alleles (0.0027%); highest among the groups gnomAD compares: Admixed American, 0.05%; no homozygotes.

Submissions (5):

PreventionGenetics, part of Exact Sciences
Classification: Uncertain significance for ABCC6-related condition. Last evaluated: 2026-07-15. Review status: criteria provided, single submitter. Criteria: ACMG Guidelines, 2015. Collection method: clinical testing. Allele origin: germline.
Comment: The ABCC6 c.1285G>A variant is predicted to result in the amino acid substitution p.Gly429Arg. To our knowledge, this variant has not been reported in the literature. This variant is present in 0.025% of alleles in individuals of Latino descent in gnomAD. At this time, the clinical significance of this variant is uncertain due to the absence of conclusive functional and genetic evidence.

Fulgent Genetics
Classification: Uncertain significance for Pseudoxanthoma elasticum, forme fruste; Autosomal recessive inherited pseudoxanthoma elasticum; Arterial calcification, generalized, of infancy, 2. Last evaluated: 2024-05-24. Review status: criteria provided, single submitter. Criteria: ACMG Guidelines, 2015. Collection method: clinical testing. Allele origin: germline.

Labcorp Genetics (formerly Invitae), Labcorp
Classification: Uncertain significance. Last evaluated: 2022-03-19. Review status: criteria provided, single submitter. Criteria: Invitae Variant Classification Sherloc (09022015). Collection method: clinical testing. Allele origin: germline.
Comment: This sequence change replaces glycine, which is neutral and non-polar, with arginine, which is basic and polar, at codon 429 of the ABCC6 protein (p.Gly429Arg). This variant is present in population databases (no rsID available, gnomAD 0.03%). This variant has not been reported in the literature in individuals affected with ABCC6-related conditions. ClinVar contains an entry for this variant (Variation ID: 1176344). Algorithms developed to predict the effect of missense changes on protein structure and function (SIFT, PolyPhen-2, Align-GVGD) all suggest that this variant is likely to be tolerated. Algorithms developed to predict the effect of sequence changes on RNA splicing suggest that this variant may create or strengthen a splice site. In summary, the available evidence is currently insufficient to determine the role of this variant in disease. Therefore, it has been classified as a Variant of Uncertain Significance.

CeGaT Center for Human Genetics Tuebingen
Classification: Uncertain significance. Last evaluated: 2021-07-01. Review status: criteria provided, single submitter. Criteria: CeGaT Center For Human Genetics Tuebingen Variant Classification Criteria Version 2. Collection method: clinical testing. Allele origin: germline. Affected: yes. Observed: 1 variant allele.

Blueprint Genetics
Classification: Uncertain significance. Last evaluated: 2020-03-12. Review status: criteria provided, single submitter. Criteria: ACMG Guidelines, 2015. Collection method: clinical testing. Allele origin: germline.

NM_001171.6(ABCC6):c.1285G>A (p.Gly429Arg)

Gene: ABCC6 (ATP binding cassette subfamily C member 6; minus strand). Cytogenetic location: 16p13.11.
Variant type: single nucleotide variant.
Coding change: c.1285G>A on transcript NM_001171.6 (MANE Select); coding-DNA position 1285, G replaced by A.
Protein change: p.Gly429Arg; replaces glycine 429 with arginine.
Molecular consequence: missense variant. On other transcripts: non-coding transcript variant (1).
Genome position (GRCh38, 1-based): chr16:16,198,074, C>T on the plus strand (G>A on the coding strand, the complement: ABCC6 is on the minus strand). VCF-style: chr16-16198074-C-T. GRCh37 (hg19) VCF-style: chr16-16291931-C-T.
Other names: c.943G>A, p.Gly315Arg (NM_001351800.1); c.1285G>A (NM_001171.5); short protein forms G315R, G429R.
Identifiers: ClinVar variation 1176344 (VCV001176344.43), dbSNP rs978346965, ClinGen allele CA278664036.
Genomic context (GRCh38, chr16:16,198,074, plus strand): 5'-GGCATACCTGCCAGAGATAGACGAAGCAGACCACGATCCAGACGAGAGGCAGCCACAGCC[C>T]GTTGAGGTAGAGGACGCTCTCGGTCAGCCGCTGCACGTCCACGGACACCAGATTGACCAC-3'
Protein context (NP_001162.5, residues 419-439): RLTESVLYLN[Gly429Arg]LWLPLVWIVV